The following is an entry in ClinVar:

ClinVar aggregate classification (germline): Uncertain significance (1 of 4 stars; one submission).

Submission:

Greenwood Genetic Center Diagnostic Laboratories, Greenwood Genetic Center
Classification: Uncertain significance. Last evaluated: 2023-04-24. Review status: criteria provided, single submitter. Criteria: ACMG Guidelines, 2015. Collection method: clinical testing. Allele origin: germline. Affected: yes.
Comment: Gene of Uncertain Significance

NM_001366418.1(SETDB1):c.3787_3790del (p.Thr1263fs)

Gene: SETDB1 (SET domain bifurcated histone lysine methyltransferase 1; plus strand). Cytogenetic location: 1q21.3.
Variant type: Microsatellite.
Coding change: c.3787_3790del on transcript NM_001366418.1 (MANE Select); coding-DNA positions 3787 to 3790, 4 bases deleted (ACTT; older notation c.3787_3790delACTT).
Protein change: p.Thr1263fs; shifts the reading frame from threonine 1263.
Molecular consequence: frameshift variant. On other transcripts: non-coding transcript variant (1).
Genome position (GRCh38, 1-based): chr1:150,964,272-150,964,275, ACTT deleted; deleting any 4 consecutive bases within chr1:150,964,268-150,964,275 gives the same sequence; the c. name uses the placement nearest the transcript's 3' end. VCF-style (leftmost placement, unchanged base first): chr1-150964267-AACTT-A. GRCh37 (hg19) VCF-style: chr1-150936743-AACTT-A.
Other names: c.3784_3787del, p.Thr1262fs (NM_001145415.2, NM_001393960.1, NM_001393961.1); c.3787_3790del, p.Thr1263fs (NM_001366417.1, NM_001393958.1, NM_001393959.1); c.3781_3784del, p.Thr1261fs (NM_012432.4); short protein forms T1261fs, T1262fs, T1263fs.
Identifiers: ClinVar variation 2572364 (VCV002572364.1), dbSNP rs2528018246, ClinGen allele CA2580612557.